The following is an entry in ClinVar:

ClinVar aggregate classification (germline): Uncertain significance (1 of 4 stars; one submission).

Allele frequency attached by ClinVar (database versions not stated): ExAC 0.00001; gnomAD exomes 0.00004.
gnomAD v4.1: 63 of 1,612,928 alleles (0.0039%); highest among the groups gnomAD compares: Non-Finnish European, 0.0053%; no homozygotes.

Submission:

Labcorp Genetics (formerly Invitae), Labcorp
Classification: Uncertain significance. Last evaluated: 2022-11-01. Review status: criteria provided, single submitter. Criteria: Invitae Variant Classification Sherloc (09022015). Collection method: clinical testing. Allele origin: germline.
Comment: This sequence change replaces valine, which is neutral and non-polar, with alanine, which is neutral and non-polar, at codon 827 of the CCDC88C protein (p.Val827Ala). This variant is present in population databases (rs746460030, gnomAD 0.004%). This variant has not been reported in the literature in individuals affected with CCDC88C-related conditions. Algorithms developed to predict the effect of missense changes on protein structure and function are either unavailable or do not agree on the potential impact of this missense change (SIFT: "Deleterious"; PolyPhen-2: "Benign"; Align-GVGD: "Class C25"). In summary, the available evidence is currently insufficient to determine the role of this variant in disease. Therefore, it has been classified as a Variant of Uncertain Significance.

NM_001080414.4(CCDC88C):c.2480T>C (p.Val827Ala)

Gene: CCDC88C (coiled-coil domain containing 88C; minus strand). Cytogenetic location: 14q32.11.
Variant type: single nucleotide variant.
Coding change: c.2480T>C on transcript NM_001080414.4 (MANE Select); coding-DNA position 2480, T replaced by C.
Protein change: p.Val827Ala; replaces valine 827 with alanine.
Molecular consequence: missense variant.
Genome position (GRCh38, 1-based): chr14:91,313,336, A>G on the plus strand (T>C on the coding strand, the complement: CCDC88C is on the minus strand). VCF-style: chr14-91313336-A-G. GRCh37 (hg19) VCF-style: chr14-91779680-A-G.
Other names: short protein forms V827A.
Identifiers: ClinVar variation 2173139 (VCV002173139.1), dbSNP rs746460030, ClinGen allele CA7309638.